The following is an entry in ClinVar:

NM_004230.4(S1PR2):c.677C>T (p.Pro226Leu)

Gene: S1PR2 (sphingosine-1-phosphate receptor 2; minus strand). Cytogenetic location: 19p13.2.
Variant type: single nucleotide variant.
Coding change: c.677C>T on transcript NM_004230.4 (MANE Select); coding-DNA position 677, C replaced by T.
Protein change: p.Pro226Leu; replaces proline 226 with leucine.
Molecular consequence: missense variant.
Genome position (GRCh38, 1-based): chr19:10,224,229, G>A on the plus strand (C>T on the coding strand, the complement: S1PR2 is on the minus strand). VCF-style: chr19-10224229-G-A. GRCh37 (hg19) VCF-style: chr19-10334905-G-A.
Other names: short protein forms P226L.
Identifiers: ClinVar variation 3364918 (VCV003364918.2).

ClinVar aggregate classification (germline): Uncertain significance. Review status: criteria provided, multiple submitters, no conflicts (2 of 4 stars). 2 submissions from 2 submitters: Uncertain significance (2). Last evaluated 2024-03-01.

gnomAD v4.1: 115 of 1,613,560 alleles (0.0071%); highest among the groups gnomAD compares: Admixed American, 0.012%; no homozygotes.

Submissions (2):

Blueprint Genetics
Classification: Uncertain significance. Last evaluated: 2024-03-01. Review status: criteria provided, single submitter. Criteria: ACMG Guidelines, 2015. Collection method: clinical testing. Allele origin: germline.

GeneDx
Classification: Uncertain significance. Last evaluated: 2023-11-29. Review status: criteria provided, single submitter. Criteria: GeneDx Variant Classification Process June 2021. Collection method: clinical testing. Allele origin: germline. Affected: yes.
Comment: In silico analysis supports that this missense variant has a deleterious effect on protein structure/function; Has not been previously published as pathogenic or benign to our knowledge